The following is an entry in ClinVar:

NM_016216.4(DBR1):c.697G>A (p.Ala233Thr)

Gene: DBR1 (debranching RNA lariats 1; minus strand). Cytogenetic location: 3q22.3.
Variant type: single nucleotide variant.
Coding change: c.697G>A on transcript NM_016216.4 (MANE Select); coding-DNA position 697, G replaced by A.
Protein change: p.Ala233Thr; replaces alanine 233 with threonine.
Molecular consequence: missense variant.
Genome position (GRCh38, 1-based): chr3:138,167,098, C>T on the plus strand (G>A on the coding strand, the complement: DBR1 is on the minus strand). VCF-style: chr3-138167098-C-T. GRCh37 (hg19) VCF-style: chr3-137885940-C-T.
Other names: short protein forms A233T.
Identifiers: ClinVar variation 2313101 (VCV002313101.4), dbSNP rs150484271, ClinGen allele CA2635822.
Genomic context (GRCh38, chr3:138,167,098, plus strand): 5'-AATAGTGTGTGTTAAATGAAAGAATAAACATTTTGTTTTCTACCTGATGCTGCATCAAGG[C>T]GGCAAACTTCACATGAAGGTGGGCAGAAAACCAATAAGTAGGTTTGAGATGCTCTAAAAG-3'
Protein context (NP_057300.2, residues 223-243): FSAHLHVKFA[Ala233Thr]LMQHQAKDKG

ClinVar aggregate classification (germline): Uncertain significance. Review status: criteria provided, multiple submitters, no conflicts (2 of 4 stars). 3 submissions from 3 submitters: Uncertain significance (3). Last evaluated 2026-04-21.

Conditions:
Inborn genetic diseases. Identifiers: MedGen C0950123, MeSH D030342.
Xerosis and growth failure with immune and pulmonary dysfunction syndrome (XGIP). Also called: XGIP SYNDROME. Identifiers: MedGen C5882692, MONDO:0957786, OMIM 620510.
Encephalitis, acute, infection (viral)-induced, susceptibility to, 11. Identifiers: MedGen C5561941, MONDO:0030334, OMIM 619441.

Allele frequency attached by ClinVar (database versions not stated): gnomAD 0.00001; gnomAD exomes 0.00001; TOPMed 0.00001; ExAC 0.00002; ESP Exome Variant Server 0.00015.
gnomAD v4.1: 13 of 1,613,892 alleles (0.00081%); highest among the groups gnomAD compares: African/African-American, 0.004%; no homozygotes.

Submissions (3):

Unidad de Genómica Garrahan, Hospital de Pediatría Garrahan
Classification: Uncertain significance for Encephalitis, acute, infection (viral)-induced, susceptibility to, 11. Last evaluated: 2026-04-21. Review status: criteria provided, single submitter. Criteria: ACMG Guidelines, 2015. Collection method: clinical testing. Allele origin: paternal. Inheritance: Autosomal recessive inheritance. Affected: yes. Observed: 1 variant allele, 1 compound heterozygote.
Comment: A missense variant, NM_016216.4:c.697G>A, was identified in exon 5 of the DBR1 gene, resulting in an amino acid substitution of alanine to threonine at position 233 (p.Ala233Thr). This variant is present at an extremely low frequency in population databases (<0.01), in which no homozygous individuals have been reported. In silico prediction tools suggest that the variant may have a deleterious effect on protein function (REVEL score: 0.93). Additionally, this variant has been reported in ClinVar, where it is currently classified as a variant of uncertain significance (ClinVar ID: 2313101). VUS: (PM2moderate, PP3 moderate)

3billion
Classification: Uncertain significance for Xerosis and growth failure with immune and pulmonary dysfunction syndrome. Last evaluated: 2025-08-11. Review status: criteria provided, single submitter. Criteria: ACMG Guidelines, 2015. Collection method: clinical testing. Allele origin: germline. Affected: yes.
Comment: The variant is observed at an extremely low frequency in the gnomAD v4.1.0 dataset (total allele frequency: <0.001%). Predicted Consequence/Location: Missense variant In silico tool predictions suggest damaging effect of the variant on gene or gene product [REVEL: 0.93 (>=0.6, sensitivity 0.68 and specificity 0.92)]. The variant has been reported as of uncertain significance (ClinVar ID: VCV002313101). Therefore, this variant is classified as VUS according to the recommendation of ACMG/AMP guideline.

Ambry Genetics
Classification: Uncertain significance for Inborn genetic diseases. Last evaluated: 2022-09-22. Review status: criteria provided, single submitter. Criteria: Ambry Variant Classification Scheme 2023. Collection method: clinical testing. Allele origin: germline.